The following is an entry in ClinVar:

ClinVar aggregate classification (germline): Likely benign (1 of 4 stars; one submission).

Submission:

CeGaT Center for Human Genetics Tuebingen
Classification: Likely benign. Last evaluated: 2025-08-01. Review status: criteria provided, single submitter. Criteria: CeGaT Center For Human Genetics Tuebingen Variant Classification Criteria Version 2. Collection method: clinical testing. Allele origin: germline. Affected: yes. Observed: 1 variant allele.
Comment: PDE2A: PM2:Supporting, BP4, BP7

NM_002599.5(PDE2A):c.2139T>G (p.Ser713=)

Gene: PDE2A (phosphodiesterase 2A; minus strand). Cytogenetic location: 11q13.4.
Variant type: single nucleotide variant.
Coding change: c.2139T>G on transcript NM_002599.5 (MANE Select); coding-DNA position 2139, T replaced by G.
Protein change: p.Ser713=; no amino-acid change (serine 713 retained).
Molecular consequence: synonymous variant.
Genome position (GRCh38, 1-based): chr11:72,580,619, A>C on the plus strand (T>G on the coding strand, the complement: PDE2A is on the minus strand). VCF-style: chr11-72580619-A-C. GRCh37 (hg19) VCF-style: chr11-72291663-A-C.
Other names: c.2118T>G, p.Ser706= (NM_001143839.4); c.2112T>G, p.Ser704= (NM_001146209.3); c.2076T>G, p.Ser692= (NM_001243784.2).
Identifiers: ClinVar variation 4085863 (VCV004085863.8).